The following is an entry in ClinVar:

ClinVar aggregate classification (germline): Benign/Likely benign. Review status: criteria provided, multiple submitters, no conflicts (2 of 4 stars). 3 submissions from 3 submitters: Benign (1); Likely benign (2). Last evaluated 2025-11-11.

Conditions:
Hereditary diffuse gastric adenocarcinoma (HDGC). Also called: DIFFUSE GASTRIC AND LOBULAR BREAST CANCER SYNDROME. Identifiers: Orphanet 26106, MedGen C1708349, MONDO:0007648, OMIM 137215.
Hereditary cancer-predisposing syndrome. Also called: Neoplastic Syndromes, Hereditary; Hereditary neoplastic syndrome; Tumor predisposition; Hereditary Cancer Syndrome. Identifiers: Orphanet 140162, MedGen C0027672, MeSH D009386, MONDO:0015356.

Allele frequency attached by ClinVar (database versions not stated): gnomAD 0.00001; gnomAD exomes 0.00001; TOPMed 0.00001.
gnomAD v4.1: 8 of 1,614,124 alleles (0.0005%); highest among the groups gnomAD compares: Non-Finnish European, 0.00068%; no homozygotes.

Submissions (3):

Labcorp Genetics (formerly Invitae), Labcorp
Classification: Likely benign. Last evaluated: 2025-11-11. Review status: criteria provided, single submitter. Criteria: Invitae Variant Classification Sherloc (09022015). Collection method: clinical testing. Allele origin: germline.

Ambry Genetics
Classification: Likely benign for Hereditary cancer-predisposing syndrome. Last evaluated: 2025-06-29. Review status: criteria provided, single submitter. Criteria: Ambry Variant Classification Scheme 2023. Collection method: clinical testing. Allele origin: germline.

Myriad Genetics, Inc.
Classification: Benign for Hereditary diffuse gastric adenocarcinoma. Last evaluated: 2024-10-10. Review status: criteria provided, single submitter. Criteria: Myriad Autosomal Dominant, Autosomal Recessive and X-Linked Classification Criteria (2023). Collection method: clinical testing. Allele origin: unknown.
Comment: This variant is considered benign. This variant is a silent/synonymous amino acid change and it is not expected to impact splicing.

NM_001903.5(CTNNA1):c.906G>A (p.Arg302=)

Gene: CTNNA1 (catenin alpha 1; plus strand). Cytogenetic location: 5q31.2.
Variant type: single nucleotide variant.
Coding change: c.906G>A on transcript NM_001903.5 (MANE Select); coding-DNA position 906, G replaced by A.
Protein change: p.Arg302=; no amino-acid change (arginine 302 retained).
Molecular consequence: synonymous variant.
Genome position (GRCh38, 1-based): chr5:138,827,562, G>A. VCF-style: chr5-138827562-G-A. GRCh37 (hg19) VCF-style: chr5-138163251-G-A.
Other names: c.906G>A (NM_001903.2); c.906G>A, p.Arg302= (NM_001290307.3, NM_001323982.2, NM_001323983.1 and 3 more transcripts); c.597G>A, p.Arg199= (NM_001290309.3); c.537G>A, p.Arg179= (NM_001290310.3).
Identifiers: ClinVar variation 1938840 (VCV001938840.7), dbSNP rs1367947289, ClinGen allele CA446595385.
Genomic context (GRCh38, chr5:138,827,562, plus strand): 5'-ACTTTCTCTGCAGAAACAAATCATTGTGGACCCCTTGAGCTTCAGCGAGGAGCGCTTTAG[G>A]CCTTCCCTGGAGGAGCGTCTGGAAAGCATCATTAGTGGGGCTGCCTTGATGGCCGACTCG-3'
Protein context (NP_001894.2, residues 292-312): DPLSFSEERF[Arg302=]PSLEERLESI